The following is an entry in ClinVar:

ClinVar aggregate classification (germline): Uncertain significance. Review status: criteria provided, multiple submitters, no conflicts (2 of 4 stars). 7 submissions from 7 submitters: Uncertain significance (7). Last evaluated 2026-06-29.

Conditions:
Familial cancer of breast. Also called: BREAST CANCER, FAMILIAL; hereditary breast carcinoma; Hereditary breast cancer. Identifiers: Orphanet 227535, MedGen C0346153, MONDO:0016419, OMIM 114480. Disease mechanism: loss of function.
Fanconi anemia complementation group J. Also called: BRIP1-Related Fanconi Anemia. Identifiers: Orphanet 84, MedGen C1836860, MONDO:0012187, OMIM 609054.
Hereditary cancer-predisposing syndrome. Also called: Tumor predisposition; Hereditary neoplastic syndrome; Neoplastic Syndromes, Hereditary; Hereditary Cancer Syndrome. Identifiers: Orphanet 140162, MedGen C0027672, MeSH D009386, MONDO:0015356.

Allele frequency attached by ClinVar (database versions not stated): ExAC 0.00001; TOPMed 0.00003; gnomAD 0.00004 and 0.00003; gnomAD exomes below 0.00001.
gnomAD v4.1: 9 of 1,613,722 alleles (0.00056%); highest among the groups gnomAD compares: African/African-American, 0.0067%; no homozygotes.

Submissions (7):

Women's Health and Genetics/Laboratory Corporation of America, LabCorp
Classification: Uncertain significance. Last evaluated: 2026-06-29. Review status: criteria provided, single submitter. Criteria: LabCorp Variant Classification Summary - May 2015. Collection method: clinical testing. Allele origin: germline.

Labcorp Genetics (formerly Invitae), Labcorp
Classification: Uncertain significance for Familial cancer of breast; Fanconi anemia complementation group J. Last evaluated: 2025-04-22. Review status: criteria provided, single submitter. Criteria: Invitae Variant Classification Sherloc (09022015). Collection method: clinical testing. Allele origin: germline.
Comment: This sequence change replaces glycine, which is neutral and non-polar, with glutamic acid, which is acidic and polar, at codon 730 of the BRIP1 protein (p.Gly730Glu). This variant is present in population databases (rs748616469, gnomAD 0.008%). This variant has not been reported in the literature in individuals affected with BRIP1-related conditions. ClinVar contains an entry for this variant (Variation ID: 481651). Invitae Evidence Modeling of protein sequence and biophysical properties (such as structural, functional, and spatial information, amino acid conservation, physicochemical variation, residue mobility, and thermodynamic stability) has been performed for this missense variant. However, the output from this modeling did not meet the statistical confidence thresholds required to predict the impact of this variant on BRIP1 protein function. In summary, the available evidence is currently insufficient to determine the role of this variant in disease. Therefore, it has been classified as a Variant of Uncertain Significance.

Ambry Genetics
Classification: Uncertain significance for Hereditary cancer-predisposing syndrome. Last evaluated: 2024-12-09. Review status: criteria provided, single submitter. Criteria: Ambry Variant Classification Scheme 2023. Collection method: clinical testing. Allele origin: germline.
Comment: The p.G730E variant (also known as c.2189G>A), located in coding exon 14 of the BRIP1 gene, results from a G to A substitution at nucleotide position 2189. The glycine at codon 730 is replaced by glutamic acid, an amino acid with similar properties. This amino acid position is highly conserved in available vertebrate species. In addition, the in silico prediction for this alteration is inconclusive. Since supporting evidence is limited at this time, the clinical significance of this alteration remains unclear.

Color Diagnostics, LLC DBA Color Health
Classification: Uncertain significance for Hereditary cancer-predisposing syndrome. Last evaluated: 2024-03-06. Review status: criteria provided, single submitter. Criteria: ACMG Guidelines, 2015. Collection method: clinical testing. Allele origin: germline.
Comment: This missense variant replaces glycine with glutamic acid at codon 730 of the BRIP1 protein. Computational prediction suggests that this variant may not impact protein structure and function (internally defined REVEL score threshold <= 0.5, PMID: 27666373). To our knowledge, functional studies have not been reported for this variant. This variant has not been reported in individuals affected with hereditary cancer in the literature. This variant has been identified in 2/282582 chromosomes in the general population by the Genome Aggregation Database (gnomAD). The available evidence is insufficient to determine the role of this variant in disease conclusively. Therefore, this variant is classified as a Variant of Uncertain Significance.

Baylor Genetics
Classification: Uncertain significance for Familial cancer of breast. Last evaluated: 2023-09-26. Review status: criteria provided, single submitter. Criteria: ACMG Guidelines, 2015. Collection method: clinical testing. Allele origin: unknown.

GeneDx
Classification: Uncertain significance. Last evaluated: 2022-04-19. Review status: criteria provided, single submitter. Criteria: GeneDx Variant Classification Process June 2021. Collection method: clinical testing. Allele origin: germline. Affected: yes.
Comment: Not observed at significant frequency in large population cohorts (gnomAD); In silico analysis supports that this missense variant has a deleterious effect on protein structure/function; Has not been previously published as pathogenic or benign to our knowledge

Genetic Services Laboratory, University of Chicago
Classification: Uncertain significance. Last evaluated: 2020-04-20. Review status: criteria provided, single submitter. Criteria: ACMG Guidelines, 2015. Collection method: clinical testing. Allele origin: germline. Affected: no.
Comment: DNA sequence analysis of the BRIP1 gene demonstrated a sequence change, c.2189G>A, in exon 15 that results in an amino acid change, p.Gly730Glu. This sequence change has been described in the gnomAD database with a low population frequency of 0.00071% (dbSNP 748616469). The p.Gly730Glu change affects a highly conserved amino acid residue located in a domain of the BRIP1 protein that is known to be functional. The p.Gly730Glu substitution appears to be deleterious using several in-silico pathogenicity prediction tools (SIFT, PolyPhen2, Align GVGD, REVEL). This sequence change does not appear to have been previously described in patients with BRIP1-related disorders. Due to the lack of functional studies, the clinical significance of the p.Gly730Glu change remains unknown at this time.

NM_032043.3(BRIP1):c.2189G>A (p.Gly730Glu)

Gene: BRIP1 (BRCA1 interacting DNA helicase 1; minus strand). Cytogenetic location: 17q23.2.
Variant type: single nucleotide variant.
Coding change: c.2189G>A on transcript NM_032043.3 (MANE Select); coding-DNA position 2189, G replaced by A.
Protein change: p.Gly730Glu; replaces glycine 730 with glutamic acid.
Molecular consequence: missense variant.
Genome position (GRCh38, 1-based): chr17:61,744,500, C>T on the plus strand (G>A on the coding strand, the complement: BRIP1 is on the minus strand). VCF-style: chr17-61744500-C-T. GRCh37 (hg19) VCF-style: chr17-59821861-C-T.
Other names: short protein forms G730E.
Identifiers: ClinVar variation 481651 (VCV000481651.31), dbSNP rs748616469, ClinGen allele CA8690575.